The following is an entry in ClinVar:

NM_000059.4(BRCA2):c.700del (p.Ser234fs)

Gene: BRCA2 (BRCA2 DNA repair associated; plus strand). Cytogenetic location: 13q13.1.
Variant type: Deletion.
Coding change: c.700del on transcript NM_000059.4 (MANE Select); coding-DNA position 700, one base deleted (T; older notation c.700delT).
Protein change: p.Ser234fs; shifts the reading frame from serine 234.
Molecular consequence: frameshift variant.
Genome position (GRCh38, 1-based): chr13:32,330,937, T deleted; the last of 5 consecutive T bases (chr13:32,330,933-32,330,937); deleting any one gives the same sequence. VCF-style (leftmost placement, unchanged base first): chr13-32330932-AT-A. GRCh37 (hg19) VCF-style: chr13-32905069-AT-A.
Other names: 924delT; 928delT; c.696delT (NM_000059.3).
Identifiers: ClinVar variation 38079 (VCV000038079.28), dbSNP rs80359630, ClinGen allele CA024654.

ClinVar aggregate classification (germline): Pathogenic. Review status: reviewed by expert panel (3 of 4 stars). 15 submissions from 15 submitters: Pathogenic (1). 14 of the submissions do not count toward it. Last evaluated 2016-09-08.

Conditions:
Breast and/or ovarian cancer. Identifiers: MedGen CN221562.
Hereditary cancer-predisposing syndrome. Also called: Tumor predisposition; Neoplastic Syndromes, Hereditary; Hereditary neoplastic syndrome; Hereditary Cancer Syndrome. Identifiers: Orphanet 140162, MedGen C0027672, MeSH D009386, MONDO:0015356.
Hereditary breast ovarian cancer syndrome. Also called: Hereditary breast and ovarian cancer; Hereditary breast and ovarian cancer syndrome (HBOC); Hereditary breast and/or ovarian cancer syndrome; Breast and ovarian cancer; Hereditary breast and ovarian cancer syndrome; BRCA1- and BRCA2-Associated Hereditary Breast and Ovarian Cancer. Identifiers: Orphanet 145, MedGen C0677776, MeSH D061325, MONDO:0003582. Disease mechanism: loss of function.
Breast-ovarian cancer, familial, susceptibility to, 2 (BROVCA2). Also called: BRCA2 Hereditary Breast and Ovarian Cancer. Identifiers: Orphanet 145, MedGen C2675520, MONDO:0012933, OMIM 612555. Disease mechanism: loss of function.

Submissions 1 to 10 of 15:

Evidence-based Network for the Interpretation of Germline Mutant Alleles (ENIGMA)
Classification: Pathogenic for Breast-ovarian cancer, familial, susceptibility to, 2. Last evaluated: 2016-09-08. Review status: reviewed by expert panel. Criteria: ENIGMA BRCA1/2 Classification Criteria (2015). Collection method: curation. Allele origin: germline.
Comment: Variant allele predicted to encode a truncated non-functional protein.

Labcorp Genetics (formerly Invitae), Labcorp
Classification: Pathogenic for Hereditary breast ovarian cancer syndrome. Last evaluated: 2026-02-02. Review status: criteria provided, single submitter. Criteria: Invitae Variant Classification Sherloc (09022015). Collection method: clinical testing. Allele origin: germline. Not counted in ClinVar's aggregate classification.
Comment: This sequence change creates a premature translational stop signal (p.Ser234Profs*7) in the BRCA2 gene. It is expected to result in an absent or disrupted protein product. Loss-of-function variants in BRCA2 are known to be pathogenic (PMID: 20104584). This variant is not present in population databases (gnomAD no frequency). This premature translational stop signal has been observed in individual(s) with a personal and/or family history of breast and/or ovarian cancer (PMID: 11938448, 19656164, 22762150, 22798144, 26843898). This variant is also known as 924delT or 928delT. ClinVar contains an entry for this variant (Variation ID: 38079). For these reasons, this variant has been classified as Pathogenic.

ARUP Laboratories, Molecular Genetics and Genomics, ARUP Laboratories
Classification: Pathogenic. Last evaluated: 2025-06-12. Review status: criteria provided, single submitter. Criteria: ARUP Molecular Germline Variant Investigation Process 2024. Collection method: clinical testing. Allele origin: germline. Not counted in ClinVar's aggregate classification.
Comment: The BRCA2 c.700del; p.Ser234ProfsTer7 variant (rs80359630, ClinVar Variation ID: 38079), also published as 924delT and 928delT, is reported in the literature in multiple individuals with a personal or family history of breast and/or ovarian cancer (Giannini 2006, Kim 2012, Kluska 2015, Nedelcu 2002, Seong 2009). This variant is absent from the Genome Aggregation Database (v2.1.1), indicating it is not a common polymorphism. This variant causes a frameshift by deleting a single nucleotide, so it is predicted to result in a truncated protein or mRNA subject to nonsense-mediated decay. Based on available information, this variant is considered to be pathogenic. References: Giannini G et al. Novel BRCA1 and BRCA2 germline mutations and assessment of mutation spectrum and prevalence in Italian breast and/or ovarian cancer families. Breast Cancer Res Treat. 2006 Nov;100(1):83-91. Epub 2006 May 9. PMID: 16847550. Kim H et al. Characteristics and spectrum of BRCA1 and BRCA2 mutations in 3,922 Korean patients with breast and ovarian cancer. Breast Cancer Res Treat. 2012 Aug;134(3):1315-26. PMID: 22798144. Kluska A et al. New recurrent BRCA1/2 mutations in Polish patients with familial breast/ovarian cancer detected by next generation sequencing. BMC Med Genomics. 2015 May 7;8:19. PMID: 25948282. Nedelcu R et al. BRCA mutations in Italian breast/ovarian cancer families. Eur J Hum Genet. 2002 Feb;10(2):150-2. PMID: 11938448. Seong MW et al. Comprehensive mutational analysis of BRCA1/BRCA2 for Korean breast cancer patients: evidence of a founder mutation. Clin Genet. 2009 Aug;76(2):152-60. PMID: 19656164.

Ambry Genetics
Classification: Pathogenic for Hereditary cancer-predisposing syndrome. Last evaluated: 2025-04-15. Review status: criteria provided, single submitter. Criteria: Ambry Variant Classification Scheme 2023. Collection method: clinical testing. Allele origin: germline. Not counted in ClinVar's aggregate classification.
Comment: The c.700delT pathogenic mutation, located in coding exon 8 of the BRCA2 gene, results from a deletion of one nucleotide at nucleotide position 700, causing a translational frameshift with a predicted alternate stop codon. This mutation has been previously identified in Italian, German, and Korean breast/ovarian cancer cohorts (Meindl A et al. Int. J. Cancer, 2002 Feb;97:472-80; Capalbo C et al. Ann. Oncol., 2006 Jun;17 Suppl 7:vii34-40; Seong MW et al. Clin. Genet., 2009 Aug;76:152-60). Of note, this alteration has also been designated as 928delT in the published literature. This variant is considered to be rare based on population cohorts in the Genome Aggregation Database (gnomAD). In addition to the clinical data presented in the literature, this alteration is expected to result in loss of function by premature protein truncation or nonsense-mediated mRNA decay. As such, this alteration is interpreted as a disease-causing mutation.

Molecular Pathology, Peter Maccallum Cancer Centre
Classification: Pathogenic for Breast-ovarian cancer, familial, susceptibility to, 2. Last evaluated: 2025-01-02. Review status: criteria provided, single submitter. Criteria: ACMG Guidelines, 2015. Collection method: clinical testing. Allele origin: germline. Inheritance: Autosomal dominant inheritance. Not counted in ClinVar's aggregate classification.

Color Diagnostics, LLC DBA Color Health
Classification: Pathogenic for Hereditary cancer-predisposing syndrome. Last evaluated: 2024-02-20. Review status: criteria provided, single submitter. Criteria: ACMG Guidelines, 2015. Collection method: clinical testing. Allele origin: germline. Not counted in ClinVar's aggregate classification.
Comment: This variant deletes 1 nucleotide in exon 9 of the BRCA2 gene, creating a frameshift and premature translation stop signal. This variant is expected to result in an absent or non-functional protein product. This variant has been reported in at least six individuals affected with breast cancer and in additional suspected hereditary breast and ovarian cancer families (PMID: 11802209, 11938448, 16760289, 19656164, 22762150, 26843898). This variant has not been identified in the general population by the Genome Aggregation Database (gnomAD). Loss of BRCA2 function is a known mechanism of disease. Based on the available evidence, this variant is classified as Pathogenic.

GeneDx
Classification: Pathogenic. Last evaluated: 2019-12-03. Review status: criteria provided, single submitter. Criteria: GeneDx Variant Classification Process June 2021. Collection method: clinical testing. Allele origin: germline. Affected: yes. Not counted in ClinVar's aggregate classification.
Comment: Frameshift variant predicted to result in protein truncation or nonsense mediated decay in a gene for which loss-of-function is a known mechanism of disease; Not observed in large population cohorts (Lek 2016); Truncating variants in this gene are considered pathogenic by a well-established clinical consortium and/or database; Observed in individuals with BRCA2-related cancers (Nedelcu 2002, Lubinski 2004, Giannini 2006, Sinilnikova 2006, Seong 2009, Kim 2012, Germani 2018; Also known as 924delT and 928delT; This variant is associated with the following publications: (PMID: 15131399, 11938448, 16847550, 16528604, 26843898, 22798144, 19656164, 25948282, 22762150, 30263092, 31921681)

Women's Health and Genetics/Laboratory Corporation of America, LabCorp
Classification: Pathogenic for Hereditary breast and ovarian cancer syndrome. Last evaluated: 2019-10-07. Review status: criteria provided, single submitter. Criteria: LabCorp Variant Classification Summary - May 2015. Collection method: clinical testing. Allele origin: germline. Not counted in ClinVar's aggregate classification.
Comment: Variant summary: BRCA2 c.700delT (p.Ser234ProfsX7) results in a premature termination codon, predicted to cause a truncation of the encoded protein or absence of the protein due to nonsense mediated decay, which are commonly known mechanisms for disease. The variant was absent in 250024 control chromosomes (gnomAD). c.700delT has been reported in the literature in several individuals affected with Hereditary Breast and Ovarian Cancer (e.g. Nedelcu_2002, Giannini_2006, Seong_2009, Kluska_2015). These data indicate that the variant is likely to be associated with disease. To our knowledge, no experimental evidence demonstrating an impact on protein function has been reported. Eight other submitters, including one expert panel (ENIGMA) have provided clinical-significance assessments for this variant in ClinVar after 2014, and all of them classified the variant as pathogenic. Based on the evidence outlined above, the variant was classified as pathogenic.

Consortium of Investigators of Modifiers of BRCA1/2 (CIMBA), c/o University of Cambridge
Classification: Pathogenic for Breast-ovarian cancer, familial, susceptibility to, 2. Last evaluated: 2015-10-02. Review status: criteria provided, single submitter. Criteria: CIMBA Mutation Classification guidelines May 2016. Collection method: clinical testing. Allele origin: germline. Not counted in ClinVar's aggregate classification.

Quest Diagnostics Nichols Institute San Juan Capistrano
Classification: Pathogenic for Breast-ovarian cancer, familial, susceptibility to, 2. Last evaluated: 2015-03-27. Review status: criteria provided, single submitter. Criteria: Quest Diagnostics criteria. Collection method: clinical testing. Allele origin: germline. Inheritance: Autosomal dominant inheritance. Not counted in ClinVar's aggregate classification.